The following is an entry in ClinVar:

ClinVar aggregate classification (germline): Pathogenic (1 of 4 stars; one submission).

Conditions:
Axenfeld-Rieger syndrome type 3 (RIEG3). Also called: AXENFELD-RIEGER ANOMALY WITH CARDIAC DEFECTS AND/OR SENSORINEURAL HEARING LOSS. Identifiers: Orphanet 782, MedGen C2678503, MONDO:0011233, OMIM 602482.

Submission:

Labcorp Genetics (formerly Invitae), Labcorp
Classification: Pathogenic for Axenfeld-Rieger syndrome type 3. Last evaluated: 2022-11-01. Review status: criteria provided, single submitter. Criteria: Invitae Variant Classification Sherloc (09022015). Collection method: clinical testing. Allele origin: unknown.
Comment: This variant has not been reported in the literature in individuals affected with FOXC1-related conditions. This variant results in the deletion of part of exon 1 (c.-20_1125del) of the FOXC1 gene. It is expected to result in an absent or disrupted protein product. Loss-of-function variants in FOXC1 are known to be pathogenic (PMID: 16936096, 20881294). For these reasons, this variant has been classified as Pathogenic.

Literature cited by the submitters: PubMed 16936096; PubMed 20881294.

NC_000006.11:g.(?_1610661)_(1611805_?)del

Gene: FOXC1 (forkhead box C1; plus strand). Cytogenetic location: 6p25.3.
Variant type: Deletion.
Identifiers: ClinVar variation 3246020 (VCV003246020.1).